The following is an entry in ClinVar:

ClinVar aggregate classification (germline): Likely pathogenic (1 of 4 stars; one submission).

Submission:

GeneDx
Classification: Likely pathogenic. Last evaluated: 2021-05-14. Review status: criteria provided, single submitter. Criteria: GeneDx Variant Classification Process June 2021. Collection method: clinical testing. Allele origin: germline. Affected: yes.
Comment: Nonsense variant predicted to result in protein truncation or nonsense mediated decay in a gene for which loss-of-function is a known mechanism of disease; Not observed in large population cohorts (Lek et al., 2016); Has not been previously published as pathogenic or benign to our knowledge

NM_001040616.3(LINS1):c.1276C>T (p.Gln426Ter)

Gene: LINS1 (lines homolog 1; minus strand). Cytogenetic location: 15q26.3.
Variant type: single nucleotide variant.
Coding change: c.1276C>T on transcript NM_001040616.3 (MANE Select); coding-DNA position 1276, C replaced by T.
Protein change: p.Gln426Ter; replaces glutamine 426 with a stop codon.
Molecular consequence: nonsense. On other transcripts: non-coding transcript variant (2), intron variant (1).
Genome position (GRCh38, 1-based): chr15:100,572,012, G>A on the plus strand (C>T on the coding strand, the complement: LINS1 is on the minus strand). VCF-style: chr15-100572012-G-A. GRCh37 (hg19) VCF-style: chr15-101112217-G-A.
Other names: c.529C>T, p.Gln177Ter (NM_001352507.2); c.1178-55C>T (NM_001352508.2); short protein forms Q177*, Q426*.
Identifiers: ClinVar variation 1214928 (VCV001214928.3), dbSNP rs2141270241, ClinGen allele CA393934904.